The following is an entry in ClinVar:

ClinVar aggregate classification (germline): Pathogenic/Likely pathogenic. Review status: criteria provided, multiple submitters, no conflicts (2 of 4 stars). 10 submissions from 10 submitters: Pathogenic (7); Likely pathogenic (1). 2 of the submissions do not count toward it. Last evaluated 2025-09-15.

Conditions:
Inborn genetic diseases. Identifiers: MedGen C0950123, MeSH D030342.
Neuronal ceroid lipofuscinosis. Also called: Neuronal Ceroid Lipofuscinoses. Identifiers: Orphanet 216, Orphanet 79263, MedGen C0027877, MONDO:0016295. Disease mechanism: loss of function.
Neuronal ceroid lipofuscinosis 1 (CLN1). Also called: CEROID LIPOFUSCINOSIS, NEURONAL, 1, VARIABLE AGE AT ONSET; PPT1-Related Neuronal Ceroid-Lipofuscinosis. Identifiers: Orphanet 228329, MedGen C1850451, MONDO:0009744, OMIM 256730.

Allele frequency attached by ClinVar (database versions not stated): TOPMed 0.00002; gnomAD 0.00001; gnomAD exomes 0.00001 and 0.00002; ExAC 0.00002.
gnomAD v4.1: 20 of 1,613,574 alleles (0.0012%); highest among the groups gnomAD compares: African/African-American, 0.004%; no homozygotes.

Submissions (10):

Labcorp Genetics (formerly Invitae), Labcorp
Classification: Pathogenic for Neuronal ceroid lipofuscinosis 1. Last evaluated: 2025-09-15. Review status: criteria provided, single submitter. Criteria: Invitae Variant Classification Sherloc (09022015). Collection method: clinical testing. Allele origin: germline.
Comment: This sequence change replaces glutamic acid, which is acidic and polar, with lysine, which is basic and polar, at codon 184 of the PPT1 protein (p.Glu184Lys). This variant is present in population databases (rs386833655, gnomAD 0.01%). This missense change has been observed in individual(s) with neuronal ceroid lipofuscinosis (PMID: 9664077, 10679943, 17044973). In at least one individual the data is consistent with being in trans (on the opposite chromosome) from a pathogenic variant. ClinVar contains an entry for this variant (Variation ID: 56204). Invitae Evidence Modeling of protein sequence and biophysical properties (such as structural, functional, and spatial information, amino acid conservation, physicochemical variation, residue mobility, and thermodynamic stability) indicates that this missense variant is expected to disrupt PPT1 protein function with a positive predictive value of 95%. Experimental studies have shown that this missense change affects PPT1 function (PMID: 11440996). For these reasons, this variant has been classified as Pathogenic.

Natera, Inc.
Classification: Likely pathogenic for Neuronal ceroid lipofuscinosis 1. Last evaluated: 2024-10-25. Review status: criteria provided, single submitter. Criteria: Natera Variant Classification Schema (03/2026). Collection method: clinical testing. Allele origin: germline.
Comment: The c.550G>A variant in PPT1 is a missense variant predicted to cause substitution of glutamic acid to lysine at amino acid 184. This variant is rare in the general population with a frequency below the threshold expected for the associated phenotype(s). This variant has been observed in one or more individuals affected with the associated recessive disease, as either homozygous or compound heterozygous with a second variant (PMID: 10679943, 34380004, 9664077, 17044973). Functional studies show that this variant may disrupt protein function (PMID: 11440996). Computational prediction algorithms indicate this variant is likely to affect gene or protein function. Given the available evidence, this variant is classified as Likely Pathogenic.

Dasa
Classification: Pathogenic. Last evaluated: 2024-06-04. Review status: criteria provided, single submitter. Criteria: DASA Assertion Criteria. Collection method: clinical testing. Allele origin: germline.
Comment: NM_000310.4(PPT1):c.550G>A (p.Glu184Lys) is a missense variant that results in the substitution of glutamic acid with lysine. The affected residue or protein region has prior evidence supporting clinical relevance. This variant has been reported in individuals with related phenotype. This variant has been observed in affected individuals with related phenotype in a genotype context consistent with recessive disease. Functional evidence supports a deleterious effect on the gene or gene product. The variant is present at low frequency in population datasets. Based on the available data, this variant is classified as pathogenic.

GeneDx
Classification: Pathogenic. Last evaluated: 2023-10-24. Review status: criteria provided, single submitter. Criteria: GeneDx Variant Classification Process June 2021. Collection method: clinical testing. Allele origin: germline. Affected: yes.
Comment: Published functional studies found this variant is associated with significantly reduced enzyme activity (PMID: 11440996); Not observed at significant frequency in large population cohorts (gnomAD); In silico analysis supports that this missense variant does not alter protein structure/function; This variant is associated with the following publications: (PMID: 24997880, 17044973, 9793631, 10679943, 34380004, 21990111, 9664077, 10781062, 11440996)

Baylor Genetics
Classification: Pathogenic for Neuronal ceroid lipofuscinosis 1. Last evaluated: 2023-08-29. Review status: criteria provided, single submitter. Criteria: ACMG Guidelines, 2015. Collection method: clinical testing. Allele origin: unknown.

Women's Health and Genetics/Laboratory Corporation of America, LabCorp
Classification: Pathogenic for Neuronal ceroid lipofuscinosis. Last evaluated: 2023-02-13. Review status: criteria provided, single submitter. Criteria: LabCorp Variant Classification Summary - May 2015. Collection method: clinical testing. Allele origin: germline.
Comment: Variant summary: PPT1 c.550G>A (p.Glu184Lys) results in a conservative amino acid change in the encoded protein sequence. Three of five in-silico tools predict a damaging effect of the variant on protein function. The variant allele was found at a frequency of 1.6e-05 in 251404 control chromosomes (gnomAD). c.550G>A has been reported in the literature in individuals affected with Neuronal Ceroid-Lipofuscinosis (Batten Disease) (examples: Das_1998, Salonen_2000, and Bi_2006). These data indicate that the variant is very likely to be associated with disease. At least one publication reports experimental evidence evaluating an impact on protein function. The most pronounced variant effect results in <10% of normal activity (example: Das_2001). Four clinical diagnostic laboratories have submitted clinical-significance assessments for this variant to ClinVar after 2014 and all classified the variant as pathogenic/likely pathogenic. Based on the evidence outlined above, the variant was classified as pathogenic.

Eurofins Ntd Llc (ga)
Classification: Pathogenic. Last evaluated: 2018-03-02. Review status: criteria provided, single submitter. Criteria: EGL ClinVar v180209 classification definitions. Collection method: clinical testing. Allele origin: germline. Observed: 1 variant allele, 1 heterozygote.

Ambry Genetics
Classification: Pathogenic for Inborn genetic diseases. Last evaluated: 2016-05-02. Review status: criteria provided, single submitter. Criteria: Ambry Variant Classification Scheme 2023. Collection method: clinical testing. Allele origin: germline.
Comment: The p.E184K pathogenic mutation (also known as c.550G>A), located in coding exon 6 of the PPT1 gene, results from a G to A substitution at nucleotide position 550. The glutamic acid at codon 184 is replaced by lysine, an amino acid with similar properties. This pathogenic mutation has been reported with a known pathogenic mutation and in the homozygous state in individuals with infantile neuronal ceroid lipofuscinoses (NCL) (Das AK et al. J Clin Invest. 1998; 102(2):361-70; Salonen T et al. Hum Mutat. 2000; 15(3):273-9). Functional studies in patient cells and in vitro studies found cells with this mutation had no detectable enzyme activity (Das AK et al. Hum Mol Genet. 2001; 10(13):1431-9). In addition, based on structural analysis, this mutation is expected to cause a conformational change in the palmitate-binding (Bellizzi JJ et al. Proc Natl Acad Sci USA. 2000; 97(9):4573-8). Based on the supporting evidence, this alteration is interpreted as a disease-causing mutation.

Counsyl
Classification: Likely pathogenic for Neuronal ceroid lipofuscinosis 1. Last evaluated: 2016-08-03. Review status: no assertion criteria provided. Collection method: clinical testing. Allele origin: unknown. Not counted in ClinVar's aggregate classification.

Juha Muilu Group; Institute for Molecular Medicine Finland (FIMM)
Classification: Likely pathogenic for Ceroid lipofuscinosis neuronal 1. Review status: no assertion criteria provided. Collection method: not provided. Allele origin: unknown. Not counted in ClinVar's aggregate classification.
Comment: FinDis database variant: This variant was not found or characterized by our laboratory, data were collected from public sources: see reference
ClinVar note: Converted during submission from probable-pathogenic to Likely pathogenic.

Literature cited by the submitters: PubMed 9664077 (cited by 5 submitters); PubMed 10679943 (cited by 5 submitters); PubMed 17044973 (cited by 4 submitters); PubMed 11440996 (cited by 5 submitters); PubMed 34380004 (cited by Natera, Inc.); PubMed 10781062 (cited by Ambry Genetics); PubMed 9793631 (cited by Counsyl).

NM_000310.4(PPT1):c.550G>A (p.Glu184Lys)

Gene: PPT1 (palmitoyl-protein thioesterase 1; minus strand). Cytogenetic location: 1p34.2.
Variant type: single nucleotide variant.
Coding change: c.550G>A on transcript NM_000310.4 (MANE Select); coding-DNA position 550, G replaced by A.
Protein change: p.Glu184Lys; replaces glutamic acid 184 with lysine.
Molecular consequence: missense variant.
Genome position (GRCh38, 1-based): chr1:40,080,474, C>T on the plus strand (G>A on the coding strand, the complement: PPT1 is on the minus strand). VCF-style: chr1-40080474-C-T. GRCh37 (hg19) VCF-style: chr1-40546146-C-T.
Other names: c.241G>A, p.Glu81Lys (NM_001142604.2); c.550G>A, p.Glu184Lys (NM_001363695.2); short protein forms E184K, E81K.
Identifiers: ClinVar variation 56204 (VCV000056204.21), dbSNP rs386833655, ClinGen allele CA263526.